The following is an entry in ClinVar:

NM_000057.4(BLM):c.3679A>T (p.Lys1227Ter)

Gene: BLM (BLM RecQ like helicase; plus strand). Cytogenetic location: 15q26.1.
Variant type: single nucleotide variant.
Coding change: c.3679A>T on transcript NM_000057.4 (MANE Select); coding-DNA position 3679, A replaced by T.
Protein change: p.Lys1227Ter; replaces lysine 1227 with a stop codon.
Molecular consequence: nonsense. On other transcripts: intron variant (1).
Genome position (GRCh38, 1-based): chr15:90,804,287, A>T. VCF-style: chr15-90804287-A-T. GRCh37 (hg19) VCF-style: chr15-91347517-A-T.
Other names: c.3679A>T, p.Lys1227Ter (NM_001287246.2); c.2554A>T, p.Lys852Ter (NM_001287248.2); c.3359-4850A>T (NM_001287247.2); short protein forms K852*, K1227*.
Identifiers: ClinVar variation 824060 (VCV000824060.4), dbSNP rs1596268270, ClinGen allele CA393848151.

ClinVar aggregate classification (germline): Pathogenic (1 of 4 stars; one submission).

Conditions:
Hereditary cancer-predisposing syndrome. Also called: Neoplastic Syndromes, Hereditary; Tumor predisposition; Hereditary neoplastic syndrome; Hereditary Cancer Syndrome. Identifiers: Orphanet 140162, MedGen C0027672, MeSH D009386, MONDO:0015356.

Submission:

Ambry Genetics
Classification: Pathogenic for Hereditary cancer-predisposing syndrome. Last evaluated: 2019-03-07. Review status: criteria provided, single submitter. Criteria: Ambry Variant Classification Scheme 2023. Collection method: clinical testing. Allele origin: germline.
Comment: The p.K1227* pathogenic mutation (also known as c.3679A>T), located in coding exon 18 of the BLM gene, results from an A to T substitution at nucleotide position 3679. This changes the amino acid from a lysine to a stop codon within coding exon 18. This alteration is expected to result in loss of function by premature protein truncation or nonsense-mediated mRNA decay. As such, this alteration is interpreted as a disease-causing mutation.